The following is an entry in ClinVar:

NM_017799.4(TMEM260):c.1519_1522dup (p.Tyr508fs)

Gene: TMEM260 (transmembrane protein 260; plus strand). Cytogenetic location: 14q22.3.
Variant type: Duplication.
Coding change: c.1519_1522dup on transcript NM_017799.4 (MANE Select); coding-DNA positions 1519 to 1522, 4 bases duplicated (CTTT; older notation c.1519_1522dupCTTT).
Protein change: p.Tyr508fs; shifts the reading frame from tyrosine 508.
Molecular consequence: frameshift variant.
Genome position (GRCh38, 1-based): chr14:56,625,502-56,625,505, CTTT duplicated; duplicating any 4 consecutive bases within chr14:56,625,501-56,625,505 gives the same sequence; the c. name uses the placement nearest the transcript's 3' end. VCF-style (leftmost placement, unchanged base first): chr14-56625500-A-ATCTT. GRCh37 (hg19) VCF-style: chr14-57092218-A-ATCTT.
Other names: c.1519_1522dupCTTT (NM_017799.4); short protein forms Y508fs.
Identifiers: ClinVar variation 3242582 (VCV003242582.2), dbSNP rs2503604772.

ClinVar aggregate classification (germline): Pathogenic (1 of 4 stars; one submission).

Conditions:
Structural heart defects and renal anomalies syndrome (SHDRA). Identifiers: Orphanet 689822, MedGen C4479549, MONDO:0044321, OMIM 617478.

Submission:

Women's Health and Genetics/Laboratory Corporation of America, LabCorp
Classification: Pathogenic for Structural heart defects and renal anomalies syndrome. Last evaluated: 2024-03-29. Review status: criteria provided, single submitter. Criteria: LabCorp Variant Classification Summary - May 2015. Collection method: clinical testing. Allele origin: germline.
Comment: Variant summary: TMEM260 c.1519_1522dupCTTT (p.Tyr508SerfsX6) results in a premature termination codon, predicted to cause a truncation of the encoded protein or absence of the protein due to nonsense mediated decay, which are commonly known mechanisms for disease. The variant was absent in 247534 control chromosomes. To our knowledge, no occurrence of c.1519_1522dupCTTT in individuals affected with structural heart defects and renal anomalies syndrome and no experimental evidence demonstrating its impact on protein function have been reported. No submitters have cited clinical-significance assessments for this variant to ClinVar. Based on the evidence outlined above, the variant was classified as pathogenic.